The following is an entry in ClinVar:

ClinVar aggregate classification (germline): Likely benign (1 of 4 stars; one submission).

gnomAD v4.1: 170 of 399,192 alleles (0.043%); highest among the groups gnomAD compares: Middle Eastern, 0.37%; no homozygotes.

Submission:

CeGaT Center for Human Genetics Tuebingen
Classification: Likely benign. Last evaluated: 2022-10-01. Review status: criteria provided, single submitter. Criteria: CeGaT Center For Human Genetics Tuebingen Variant Classification Criteria Version 2. Collection method: clinical testing. Allele origin: germline. Affected: yes. Observed: 2 variant alleles.
Comment: LOC400499: BP4, BP7

NM_001370704.1(APOLTP):c.535C>A (p.Arg179=)

Gene: APOLTP (apolipoprotein lipid transfer particle homolog; minus strand). Cytogenetic location: 16p13.13.
Variant type: single nucleotide variant.
Coding change: c.535C>A on transcript NM_001370704.1 (MANE Select); coding-DNA position 535, C replaced by A.
Protein change: p.Arg179=; no amino-acid change (arginine 179 retained).
Molecular consequence: synonymous variant.
Genome position (GRCh38, 1-based): chr16:11,516,048, G>T on the plus strand (C>A on the coding strand, the complement: APOLTP is on the minus strand). VCF-style: chr16-11516048-G-T. GRCh37 (hg19) VCF-style: chr16-11609904-G-T.
Other names: c.535C>A, p.Arg179= (NM_001395505.1).
Identifiers: ClinVar variation 2646229 (VCV002646229.24), dbSNP rs777265862, ClinGen allele CA7903835.